The following is an entry in ClinVar:

ClinVar aggregate classification (germline): Pathogenic (1 of 4 stars; one submission).

Conditions:
Autosomal recessive nonsyndromic hearing loss 2. Also called: NEUROSENSORY NONSYNDROMIC RECESSIVE DEAFNESS 2; DEAFNESS, AUTOSOMAL RECESSIVE 2. Identifiers: Orphanet 90636, MedGen C1838701, MONDO:0010807, OMIM 600060.

Submission:

Institute of Rare Diseases, West China Hospital, Sichuan University
Classification: Pathogenic for Autosomal recessive nonsyndromic hearing loss 2. Last evaluated: 2025-01-09. Review status: criteria provided, single submitter. Criteria: ClinGen HL ACMG Specifications v1. Collection method: research. Allele origin: germline. Affected: yes.
Comment: PVS1;PM3;PM2_Supporting

NM_000260.4(MYO7A):c.5187_5188del (p.Leu1730fs)

Gene: MYO7A (myosin VIIA; plus strand). Cytogenetic location: 11q13.5.
Variant type: Deletion.
Coding change: c.5187_5188del on transcript NM_000260.4 (MANE Select); coding-DNA positions 5187 to 5188, 2 bases deleted (GC; older notation c.5187_5188delGC).
Protein change: p.Leu1730fs; shifts the reading frame from leucine 1730.
Molecular consequence: frameshift variant.
Genome position (GRCh38, 1-based): chr11:77,203,078-77,203,079, GC deleted; deleting any 2 consecutive bases within chr11:77,203,077-77,203,079 gives the same sequence; the c. name uses the placement nearest the transcript's 3' end. VCF-style (leftmost placement, unchanged base first): chr11-77203076-ACG-A. GRCh37 (hg19) VCF-style: chr11-76914121-ACG-A.
Other names: c.5073_5074del, p.Leu1692fs (NM_001127180.2); c.5040_5041del, p.Leu1681fs (NM_001369365.1); short protein forms L1681fs, L1692fs, L1730fs.
Identifiers: ClinVar variation 3601485 (VCV003601485.1).